The following is an entry in ClinVar:

ClinVar aggregate classification (germline): Uncertain significance (1 of 4 stars; one submission).

gnomAD v4.1: 10 of 1,614,230 alleles (0.00062%); highest among the groups gnomAD compares: Non-Finnish European, 0.00085%; no homozygotes.

Submission:

Labcorp Genetics (formerly Invitae), Labcorp
Classification: Uncertain significance. Last evaluated: 2025-06-22. Review status: criteria provided, single submitter. Criteria: Invitae Variant Classification Sherloc (09022015). Collection method: clinical testing. Allele origin: germline.
Comment: This sequence change replaces glycine, which is neutral and non-polar, with aspartic acid, which is acidic and polar, at codon 1259 of the DUOX2 protein (p.Gly1259Asp). This variant is not present in population databases (gnomAD no frequency). This variant has not been reported in the literature in individuals affected with DUOX2-related conditions. Invitae Evidence Modeling of protein sequence and biophysical properties (such as structural, functional, and spatial information, amino acid conservation, physicochemical variation, residue mobility, and thermodynamic stability) indicates that this missense variant is not expected to disrupt DUOX2 protein function with a negative predictive value of 80%. In summary, the available evidence is currently insufficient to determine the role of this variant in disease. Therefore, it has been classified as a Variant of Uncertain Significance.

NM_001363711.2(DUOX2):c.3776G>A (p.Gly1259Asp)

Gene: DUOX2 (dual oxidase 2; minus strand). Cytogenetic location: 15q21.1.
Variant type: single nucleotide variant.
Coding change: c.3776G>A on transcript NM_001363711.2 (MANE Select); coding-DNA position 3776, G replaced by A.
Protein change: p.Gly1259Asp; replaces glycine 1259 with aspartic acid.
Molecular consequence: missense variant.
Genome position (GRCh38, 1-based): chr15:45,097,309, C>T on the plus strand (G>A on the coding strand, the complement: DUOX2 is on the minus strand). VCF-style: chr15-45097309-C-T. GRCh37 (hg19) VCF-style: chr15-45389507-C-T.
Other names: c.3776G>A, p.Gly1259Asp (NM_014080.5); short protein forms G1259D.
Identifiers: ClinVar variation 4692003 (VCV004692003.1).